The following is an entry in ClinVar:

NM_001077350.3(NPRL3):c.128G>C (p.Arg43Pro)

Genes: HBA-LCR (alpha-globin locus control region; plus strand), NPRL3 (NPR3 like, GATOR1 complex subunit; minus strand). Cytogenetic location: 16p13.3.
Variant type: single nucleotide variant.
Coding change: c.128G>C on transcript NM_001077350.3 (MANE Select); coding-DNA position 128, G replaced by C.
Protein change: p.Arg43Pro; replaces arginine 43 with proline.
Molecular consequence: missense variant. On other transcripts: 5 prime UTR variant (2).
Genome position (GRCh38, 1-based): chr16:130,582, C>G on the plus strand (G>C on the coding strand, the complement: NPRL3 is on the minus strand). VCF-style: chr16-130582-C-G. GRCh37 (hg19) VCF-style: chr16-180581-C-G.
Other names: c.-205G>C (NM_001039476.3); c.-244G>C (NM_001243247.2); c.128G>C, p.Arg43Pro (NM_001243248.2, NM_001243249.2); short protein forms R43P.
Identifiers: ClinVar variation 640217 (VCV000640217.8), dbSNP rs376476299, ClinGen allele CA276422808.

ClinVar aggregate classification (germline): Uncertain significance (1 of 4 stars; one submission).

Conditions:
Epilepsy, familial focal, with variable foci 3 (FFEVF3). Identifiers: MedGen C4310708, MONDO:0014925, OMIM 617118.

gnomAD v4.1: 24 of 1,554,282 alleles (0.0015%); highest among the groups gnomAD compares: Non-Finnish European, 0.0021%; no homozygotes.

Submission:

Labcorp Genetics (formerly Invitae), Labcorp
Classification: Uncertain significance for Epilepsy, familial focal, with variable foci 3. Last evaluated: 2024-10-15. Review status: criteria provided, single submitter. Criteria: Invitae Variant Classification Sherloc (09022015). Collection method: clinical testing. Allele origin: germline.
Comment: This sequence change replaces arginine, which is basic and polar, with proline, which is neutral and non-polar, at codon 43 of the NPRL3 protein (p.Arg43Pro). This variant is present in population databases (no rsID available, gnomAD 0.002%). This variant has not been reported in the literature in individuals affected with NPRL3-related conditions. ClinVar contains an entry for this variant (Variation ID: 640217). Invitae Evidence Modeling of protein sequence and biophysical properties (such as structural, functional, and spatial information, amino acid conservation, physicochemical variation, residue mobility, and thermodynamic stability) indicates that this missense variant is not expected to disrupt NPRL3 protein function with a negative predictive value of 80%. In summary, the available evidence is currently insufficient to determine the role of this variant in disease. Therefore, it has been classified as a Variant of Uncertain Significance.